The following is an entry in ClinVar:

NM_000051.4(ATM):c.6400T>C (p.Ser2134Pro)

Genes: ATM (ATM serine/threonine kinase; plus strand), C11orf65 (chromosome 11 open reading frame 65; minus strand). Cytogenetic location: 11q22.3.
Variant type: single nucleotide variant.
Coding change: c.6400T>C on transcript NM_000051.4 (MANE Select); coding-DNA position 6400, T replaced by C.
Protein change: p.Ser2134Pro; replaces serine 2134 with proline.
Molecular consequence: missense variant. On other transcripts: intron variant (2).
Genome position (GRCh38, 1-based): chr11:108,320,006, T>C. VCF-style: chr11-108320006-T-C. GRCh37 (hg19) VCF-style: chr11-108190733-T-C.
Other names: c.6400T>C, p.Ser2134Pro (NM_001351834.2); c.641-10935A>G (NM_001330368.2); c.*39-10935A>G (NM_001351110.2); short protein forms S2134P.
Identifiers: ClinVar variation 490652 (VCV000490652.33), dbSNP rs758446561, ClinGen allele CA6265930.

ClinVar aggregate classification (germline): Uncertain significance. Review status: criteria provided, multiple submitters, no conflicts (2 of 4 stars). 6 submissions from 6 submitters: Uncertain significance (5). 1 of the submissions does not count toward it. Last evaluated 2025-12-29.

Conditions:
Hereditary cancer-predisposing syndrome. Also called: Neoplastic Syndromes, Hereditary; Hereditary Cancer Syndrome; Tumor predisposition; Hereditary neoplastic syndrome. Identifiers: Orphanet 140162, MedGen C0027672, MeSH D009386, MONDO:0015356.
Familial cancer of breast. Also called: Hereditary breast cancer; BREAST CANCER, FAMILIAL; hereditary breast carcinoma. Identifiers: Orphanet 227535, MedGen C0346153, MONDO:0016419, OMIM 114480. Disease mechanism: loss of function.
Ataxia-telangiectasia syndrome (AT). Also called: LOUIS-BAR SYNDROME; Cerebello-oculocutaneous telangiectasia; Immunodeficiency with ataxia telangiectasia; Ataxia-telangiectasia, complementation group D; AT, COMPLEMENTATION GROUP C; Ataxia-telangiectasia, complementation group E. Identifiers: Orphanet 100, MedGen C0004135, MONDO:0008840, OMIM 208900.

Allele frequency attached by ClinVar (database versions not stated): gnomAD exomes below 0.00001 and 0.00003; TOPMed below 0.00001; ExAC 0.00001; gnomAD 0.00001 and below 0.00001.
gnomAD v4.1: 22 of 1,612,492 alleles (0.0014%); highest among the groups gnomAD compares: South Asian, 0.023%; no homozygotes.

Submissions (6):

Ambry Genetics
Classification: Uncertain significance for Hereditary cancer-predisposing syndrome. Last evaluated: 2025-12-29. Review status: criteria provided, single submitter. Criteria: Ambry Variant Classification Scheme 2023. Collection method: clinical testing. Allele origin: germline.

GeneDx
Classification: Uncertain significance. Last evaluated: 2024-10-06. Review status: criteria provided, single submitter. Criteria: GeneDx Variant Classification Process June 2021. Collection method: clinical testing. Allele origin: germline. Affected: yes.
Comment: Not observed at significant frequency in large population cohorts (gnomAD); In silico analysis supports that this missense variant has a deleterious effect on protein structure/function; Has not been previously published as pathogenic or benign to our knowledge; This variant is associated with the following publications: (PMID: 36243179, 23532176)

Color Diagnostics, LLC DBA Color Health
Classification: Uncertain significance for Hereditary cancer-predisposing syndrome. Last evaluated: 2023-12-04. Review status: criteria provided, single submitter. Criteria: ACMG Guidelines, 2015. Collection method: clinical testing. Allele origin: germline.
Comment: This missense variant replaces serine with proline at codon 2134 of the ATM protein. Computational prediction is inconclusive regarding the impact of this variant on protein structure and function (internally defined REVEL score threshold 0.5 < inconclusive < 0.7, PMID: 27666373). To our knowledge, functional studies have not been reported for this variant. This variant has not been reported in individuals affected with ATM-related disorders in the literature. This variant has been identified in 1/249616 chromosomes in the general population by the Genome Aggregation Database (gnomAD). The available evidence is insufficient to determine the role of this variant in disease conclusively. Therefore, this variant is classified as a Variant of Uncertain Significance.

Baylor Genetics
Classification: Uncertain significance for Familial cancer of breast. Last evaluated: 2023-10-20. Review status: criteria provided, single submitter. Criteria: ACMG Guidelines, 2015. Collection method: clinical testing. Allele origin: unknown.

Labcorp Genetics (formerly Invitae), Labcorp
Classification: Uncertain significance for Ataxia-telangiectasia syndrome. Last evaluated: 2021-08-31. Review status: criteria provided, single submitter. Criteria: Invitae Variant Classification Sherloc (09022015). Collection method: clinical testing. Allele origin: germline.
Comment: This sequence change replaces serine with proline at codon 2134 of the ATM protein (p.Ser2134Pro). The serine residue is moderately conserved and there is a moderate physicochemical difference between serine and proline. This variant is present in population databases (rs758446561, ExAC 0.006%). This variant has not been reported in the literature in individuals affected with ATM-related conditions. ClinVar contains an entry for this variant (Variation ID: 490652). Algorithms developed to predict the effect of missense changes on protein structure and function are either unavailable or do not agree on the potential impact of this missense change (SIFT: "Tolerated"; PolyPhen-2: "Possibly Damaging"; Align-GVGD: "Class C0"). In summary, the available evidence is currently insufficient to determine the role of this variant in disease. Therefore, it has been classified as a Variant of Uncertain Significance.

Natera, Inc.
Classification: Uncertain significance for Ataxia-telangiectasia. Last evaluated: 2020-08-11. Review status: no assertion criteria provided. Collection method: clinical testing. Allele origin: germline. Not counted in ClinVar's aggregate classification.